The following is an entry in ClinVar:

NM_006662.3(SRCAP):c.9589G>T (p.Val3197Phe)

Gene: SRCAP (Snf2 related CREBBP activator protein; plus strand). Cytogenetic location: 16p11.2.
Variant type: single nucleotide variant.
Coding change: c.9589G>T on transcript NM_006662.3 (MANE Select); coding-DNA position 9589, G replaced by T.
Protein change: p.Val3197Phe; replaces valine 3197 with phenylalanine.
Molecular consequence: missense variant.
Genome position (GRCh38, 1-based): chr16:30,739,629, G>T. VCF-style: chr16-30739629-G-T. GRCh37 (hg19) VCF-style: chr16-30750950-G-T.
Other names: short protein forms V3197F.
Identifiers: ClinVar variation 4742326 (VCV004742326.1).

ClinVar aggregate classification (germline): Uncertain significance (1 of 4 stars; one submission).

Submission:

Labcorp Genetics (formerly Invitae), Labcorp
Classification: Uncertain significance. Last evaluated: 2025-12-01. Review status: criteria provided, single submitter. Criteria: Invitae Variant Classification Sherloc (09022015). Collection method: clinical testing. Allele origin: germline.
Comment: This sequence change replaces valine, which is neutral and non-polar, with phenylalanine, which is neutral and non-polar, at codon 3197 of the SRCAP protein (p.Val3197Phe). This variant is not present in population databases (gnomAD no frequency). This variant has not been reported in the literature in individuals affected with SRCAP-related conditions. Invitae Evidence Modeling of protein sequence and biophysical properties (such as structural, functional, and spatial information, amino acid conservation, physicochemical variation, residue mobility, and thermodynamic stability) indicates that this missense variant is not expected to disrupt SRCAP protein function with a negative predictive value of 80%. In summary, the available evidence is currently insufficient to determine the role of this variant in disease. Therefore, it has been classified as a Variant of Uncertain Significance.